The following is an entry in ClinVar:

NM_001378969.1(KCND3):c.1331G>C (p.Ser444Thr)

Gene: KCND3 (potassium voltage-gated channel subfamily D member 3; minus strand). Cytogenetic location: 1p13.2.
Variant type: single nucleotide variant.
Coding change: c.1331G>C on transcript NM_001378969.1 (MANE Select); coding-DNA position 1331, G replaced by C.
Protein change: p.Ser444Thr; replaces serine 444 with threonine.
Molecular consequence: missense variant.
Genome position (GRCh38, 1-based): chr1:111,780,730, C>G on the plus strand (G>C on the coding strand, the complement: KCND3 is on the minus strand). VCF-style: chr1-111780730-C-G. GRCh37 (hg19) VCF-style: chr1-112323352-C-G.
Other names: c.1331G>C, p.Ser444Thr (NM_001378970.1, NM_004980.5, NM_172198.3); short protein forms S444T.
Identifiers: ClinVar variation 3532201 (VCV003532201.1).

ClinVar aggregate classification (germline): Uncertain significance (1 of 4 stars; one submission).

Conditions:
Cardiovascular phenotype. Identifiers: MedGen CN230736.

gnomAD v4.1: 11 of 1,613,164 alleles (0.00068%); highest among the groups gnomAD compares: Non-Finnish European, 0.000085%; no homozygotes.

Submission:

Ambry Genetics
Classification: Uncertain significance for Cardiovascular phenotype. Last evaluated: 2024-10-19. Review status: criteria provided, single submitter. Criteria: Ambry Variant Classification Scheme 2023. Collection method: clinical testing. Allele origin: germline.
Comment: The p.S444T variant (also known as c.1331G>C), located in coding exon 3 of the KCND3 gene, results from a G to C substitution at nucleotide position 1331. The serine at codon 444 is replaced by threonine, an amino acid with similar properties. This amino acid position is conserved. In addition, the in silico prediction for this alteration is inconclusive. Based on the available evidence, the clinical significance of this variant remains unclear.